The following is an entry in ClinVar:

NM_000548.5(TSC2):c.335A>T (p.Gln112Leu)

Gene: TSC2 (TSC complex subunit 2; plus strand). Cytogenetic location: 16p13.3.
Variant type: single nucleotide variant.
Coding change: c.335A>T on transcript NM_000548.5 (MANE Select); coding-DNA position 335, A replaced by T.
Protein change: p.Gln112Leu; replaces glutamine 112 with leucine.
Molecular consequence: missense variant. On other transcripts: 5 prime UTR variant (14), non-coding transcript variant (5), intron variant (9).
Genome position (GRCh38, 1-based): chr16:2,053,451, A>T. VCF-style: chr16-2053451-A-T. GRCh37 (hg19) VCF-style: chr16-2103452-A-T.
Other names: c.335A>T, p.Gln112Leu (NM_001077183.3, NM_001114382.3, NM_001363528.2 and 10 more transcripts); c.188A>T, p.Gln63Leu (NM_001318829.2, NM_001406675.1, NM_001406676.1 and 2 more transcripts); c.368A>T, p.Gln123Leu (NM_001318832.2); c.-482A>T (NM_001406680.1, NM_001406683.1, NM_001406687.1); c.-111A>T (NM_001406681.1); c.-1097A>T (NM_001406689.1, NM_001406690.1, NM_001406691.1 and 2 more transcripts); c.-1403A>T (NM_001406693.1); c.-978A>T (NM_001406694.1, NM_001406695.1); and 4 more; short protein forms Q123L, Q112L, Q63L.
Identifiers: ClinVar variation 3639647 (VCV003639647.2).
Genomic context (GRCh38, chr16:2,053,451, plus strand): 5'-AGCGGCCGCTGGAGGCCCGGCACGCGGTGCTGGCTCTGCTGAAGGCCATCGTGCAGGGGC[A>T]GGTAAGGCCCAGGGCGACGCTGGGATGGGTGACGTCAGGCTGCCCACTGACTGTCCTGTC-3'
Protein context (NP_000539.2, residues 102-122): LALLKAIVQG[Gln112Leu]GERLGVLRAL

ClinVar aggregate classification (germline): Uncertain significance (1 of 4 stars; one submission).

Conditions:
Tuberous sclerosis 2 (TSC2). Identifiers: Orphanet 805, MedGen C1860707, MONDO:0013199, OMIM 613254.

Submission:

Labcorp Genetics (formerly Invitae), Labcorp
Classification: Uncertain significance for Tuberous sclerosis 2. Last evaluated: 2024-02-08. Review status: criteria provided, single submitter. Criteria: Invitae Variant Classification Sherloc (09022015). Collection method: clinical testing. Allele origin: germline.
Comment: This sequence change replaces glutamine, which is neutral and polar, with leucine, which is neutral and non-polar, at codon 112 of the TSC2 protein (p.Gln112Leu). This variant is not present in population databases (gnomAD no frequency). This variant has not been reported in the literature in individuals affected with TSC2-related conditions. An algorithm developed to predict the effect of missense changes on protein structure and function (PolyPhen-2) suggests that this variant is likely to be disruptive. Algorithms developed to predict the effect of sequence changes on RNA splicing suggest that this variant may disrupt the consensus splice site. In summary, the available evidence is currently insufficient to determine the role of this variant in disease. Therefore, it has been classified as a Variant of Uncertain Significance.